The following is an entry in ClinVar:

NM_000059.4(BRCA2):c.1598C>G (p.Thr533Ser)

Gene: BRCA2 (BRCA2 DNA repair associated; plus strand). Cytogenetic location: 13q13.1.
Variant type: single nucleotide variant.
Coding change: c.1598C>G on transcript NM_000059.4 (MANE Select); coding-DNA position 1598, C replaced by G.
Protein change: p.Thr533Ser; replaces threonine 533 with serine.
Molecular consequence: missense variant.
Genome position (GRCh38, 1-based): chr13:32,333,076, C>G. VCF-style: chr13-32333076-C-G. GRCh37 (hg19) VCF-style: chr13-32907213-C-G.
Other names: short protein forms T533S.
Identifiers: ClinVar variation 1692105 (VCV001692105.4), dbSNP rs781763239, ClinGen allele CA387764826.

ClinVar aggregate classification (germline): Conflicting classifications of pathogenicity. Review status: criteria provided, conflicting classifications (1 of 4 stars). 3 submissions from 3 submitters: Uncertain significance (1); Likely benign (2). Last evaluated 2026-06-23.

Conditions:
Hereditary cancer-predisposing syndrome. Also called: Tumor predisposition; Hereditary neoplastic syndrome; Neoplastic Syndromes, Hereditary; Hereditary Cancer Syndrome. Identifiers: Orphanet 140162, MedGen C0027672, MeSH D009386, MONDO:0015356.

Submissions (3):

Ambry Genetics
Classification: Likely benign for Hereditary cancer-predisposing syndrome. Last evaluated: 2026-06-23. Review status: criteria provided, single submitter. Criteria: Ambry Variant Classification Scheme 2023. Collection method: clinical testing. Allele origin: germline.

University of Washington Department of Laboratory Medicine, University of Washington
Classification: Likely benign for Hereditary cancer-predisposing syndrome. Last evaluated: 2023-03-23. Review status: criteria provided, single submitter. Criteria: Dines et al. (Genet Med. 2020). Collection method: curation. Allele origin: germline.
Comment: Missense variant in a coldspot region where missense variants are very unlikely to be pathogenic (PMID:31911673).

BRCA2 exon 10 coldspot. Reclassification based on statistical prior probability.

Sema4
Classification: Uncertain significance for Hereditary cancer-predisposing syndrome. Last evaluated: 2021-07-23. Review status: criteria provided, single submitter. Criteria: Sema4 Curation Guidelines. Collection method: curation. Allele origin: germline.
Comment: The BRCA2 c.1598C>G (p.T533S) variant has not been reported in the literature to our knowledge. It was not observed in the large and broad cohorts of the Genome Aggregation Database (PMID: 32461654) and has not been reported in ClinVar. Functional studies have not been performed and in silico predictions of the variant's effect on protein function are inconclusive. The evidence is insufficient to meet ACMG/AMP criteria for classifying the variant as benign or pathogenic. Thus, the clinical significance of this variant is currently uncertain.